The following is an entry in ClinVar:

ClinVar aggregate classification (germline): Uncertain significance (1 of 4 stars; one submission).

Conditions:
Dystonia 28, childhood-onset (DYT28). Also called: KMT2B-Related Dystonia (DYT-KMT2B). Identifiers: Orphanet 589618, MedGen C4310633, MONDO:0015004, OMIM 617284.
Intellectual developmental disorder, autosomal dominant 68 (MRD68). Also called: MENTAL RETARDATION, AUTOSOMAL DOMINANT 68. Identifiers: MedGen C5677008, MONDO:0030969, OMIM 619934.

gnomAD v4.1: 5 of 1,613,422 alleles (0.00031%); highest among the groups gnomAD compares: Non-Finnish European, 0.00042%; no homozygotes.

Submission:

Clinical Genomics Laboratory, Washington University in St. Louis
Classification: Uncertain significance for Dystonia 28, childhood-onset; Intellectual developmental disorder, autosomal dominant 68. Last evaluated: 2026-02-11. Review status: criteria provided, single submitter. Criteria: ACMG Guidelines, 2015. Collection method: clinical testing. Allele origin: germline.
Comment: The KMT2B c.950G>A (p.Gly317Glu) variant, to our knowledge, has not been reported in the medical literature and is absent from the general population (gnomAD v2.1.1), indicating it is not a common variant. Computational predictors are uncertain as to the impact of this variant on KMT2B function. Due to limited information, and based on ACMG/AMP guidelines for variant interpretation (Richards S et al., PMID: 25741868), the clinical significance of this variant is uncertain at this time.

NM_014727.3(KMT2B):c.950G>A (p.Gly317Glu)

Gene: KMT2B (lysine methyltransferase 2B; plus strand). Cytogenetic location: 19q13.12.
Variant type: single nucleotide variant.
Coding change: c.950G>A on transcript NM_014727.3 (MANE Select); coding-DNA position 950, G replaced by A.
Protein change: p.Gly317Glu; replaces glycine 317 with glutamic acid.
Molecular consequence: missense variant.
Genome position (GRCh38, 1-based): chr19:35,720,297, G>A. VCF-style: chr19-35720297-G-A. GRCh37 (hg19) VCF-style: chr19-36211199-G-A.
Other names: short protein forms G317E.
Identifiers: ClinVar variation 4879223 (VCV004879223.1).
Genomic context (GRCh38, chr19:35,720,297, plus strand): 5'-GAGGTGGTGGGCTCCCCTTTGTGATCAAGTTTGTTTCAAGGGCCAAAAAAGTAAAGATGG[G>A]ACAATTGTCCTTGGGACTCGAATCAGGTCAAGGTCAAGGTCAACATGAGGAAAGTTGGCA-3'
Protein context (NP_055542.1, residues 307-327): FVSRAKKVKM[Gly317Glu]QLSLGLESGQ